The following is an entry in ClinVar:

NM_001364171.2(ODAD1):c.334G>A (p.Glu112Lys)

Gene: ODAD1 (outer dynein arm docking complex subunit 1; minus strand). Cytogenetic location: 19q13.33.
Variant type: single nucleotide variant.
Coding change: c.334G>A on transcript NM_001364171.2 (MANE Select); coding-DNA position 334, G replaced by A.
Protein change: p.Glu112Lys; replaces glutamic acid 112 with lysine.
Molecular consequence: missense variant.
Genome position (GRCh38, 1-based): chr19:48,318,413, C>T on the plus strand (G>A on the coding strand, the complement: ODAD1 is on the minus strand). VCF-style: chr19-48318413-C-T. GRCh37 (hg19) VCF-style: chr19-48821670-C-T.
Other names: c.223G>A, p.Glu75Lys (NM_144577.4); short protein forms E75K, E112K.
Identifiers: ClinVar variation 3409745 (VCV003409745.1).

ClinVar aggregate classification (germline): Uncertain significance (1 of 4 stars; one submission).

Conditions:
Primary ciliary dyskinesia. Also called: Ciliary dyskinesia. Identifiers: Orphanet 244, MedGen C0008780, MONDO:0016575, HP:0012265.

gnomAD v4.1: 18 of 1,551,538 alleles (0.0012%); highest among the groups gnomAD compares: Non-Finnish European, 0.0016%; no homozygotes.

Submission:

Ambry Genetics
Classification: Uncertain significance for Primary ciliary dyskinesia. Last evaluated: 2024-08-31. Review status: criteria provided, single submitter. Criteria: Ambry Variant Classification Scheme 2023. Collection method: clinical testing. Allele origin: germline.
Comment: The p.E75K variant (also known as c.223G>A), located in coding exon 2 of the CCDC114 gene, results from a G to A substitution at nucleotide position 223. The glutamic acid at codon 75 is replaced by lysine, an amino acid with similar properties. This amino acid position is conserved. In addition, this alteration is predicted to be tolerated by in silico analysis. Based on the available evidence, the clinical significance of this variant remains unclear.